The following is an entry in ClinVar:

NM_001127208.3(TET2):c.158A>G (p.Lys53Arg)

Genes: TET2 (tet methylcytosine dioxygenase 2; plus strand), TET2-AS1 (TET2 antisense RNA 1; minus strand). Cytogenetic location: 4q24.
Variant type: single nucleotide variant.
Coding change: c.158A>G on transcript NM_001127208.3 (MANE Select); coding-DNA position 158, A replaced by G.
Protein change: p.Lys53Arg; replaces lysine 53 with arginine.
Molecular consequence: missense variant.
Genome position (GRCh38, 1-based): chr4:105,234,100, A>G. VCF-style: chr4-105234100-A-G. GRCh37 (hg19) VCF-style: chr4-106155257-A-G.
Other names: c.158A>G, p.Lys53Arg (NM_017628.4); short protein forms K53R.
Identifiers: ClinVar variation 4183022 (VCV004183022.1).

ClinVar aggregate classification (germline): Uncertain significance (1 of 4 stars; one submission).

Submission:

Ambry Genetics
Classification: Uncertain significance. Last evaluated: 2025-08-20. Review status: criteria provided, single submitter. Criteria: Ambry Variant Classification Scheme 2023. Collection method: clinical testing. Allele origin: germline.
Comment: The p.K53R variant (also known as c.158A>G), located in coding exon 1 of the TET2 gene, results from an A to G substitution at nucleotide position 158. The lysine at codon 53 is replaced by arginine, an amino acid with highly similar properties. This amino acid position is conserved. In addition, this alteration is predicted to be tolerated by in silico analysis. Based on the available evidence, the clinical significance of this variant remains unclear.